The following is an entry in ClinVar:

NM_001286611.2(REPS1):c.2324A>T (p.Asp775Val)

Gene: REPS1 (RALBP1 associated Eps domain containing 1; minus strand). Cytogenetic location: 6q24.1.
Variant type: single nucleotide variant.
Coding change: c.2324A>T on transcript NM_001286611.2 (MANE Select); coding-DNA position 2324, A replaced by T.
Protein change: p.Asp775Val; replaces aspartic acid 775 with valine.
Molecular consequence: missense variant.
Genome position (GRCh38, 1-based): chr6:138,905,131, T>A on the plus strand (A>T on the coding strand, the complement: REPS1 is on the minus strand). VCF-style: chr6-138905131-T-A. GRCh37 (hg19) VCF-style: chr6-139226268-T-A.
Other names: c.2243A>T, p.Asp748Val (NM_001128617.3); c.2051A>T, p.Asp684Val (NM_001286612.2); c.2321A>T, p.Asp774Val (NM_031922.5); short protein forms D748V, D684V, D774V, D775V.
Identifiers: ClinVar variation 3640778 (VCV003640778.2).
Genomic context (GRCh38, chr6:138,905,131, plus strand): 5'-TGAGAGAATGGTCGAAGTTGTTCCAGTTGAACTTCCAGGGAAATTCTCTCCTCAAGAACA[T>A]CCTGAAAAAGATGCAAAGGCCAAGTTATGTTTCAAAGTATATAAAAATGAAGAAATATCT-3'
Protein context (NP_001273540.1, residues 765-785): LNSELQQQLK[Asp775Val]VLEERISLEV

ClinVar aggregate classification (germline): Uncertain significance (1 of 4 stars; one submission).

Submission:

Labcorp Genetics (formerly Invitae), Labcorp
Classification: Uncertain significance. Last evaluated: 2025-10-01. Review status: criteria provided, single submitter. Criteria: Invitae Variant Classification Sherloc (09022015). Collection method: clinical testing. Allele origin: germline.
Comment: This sequence change replaces aspartic acid, which is acidic and polar, with valine, which is neutral and non-polar, at codon 775 of the REPS1 protein (p.Asp775Val). This variant is not present in population databases (gnomAD no frequency). This variant has not been reported in the literature in individuals affected with REPS1-related conditions. ClinVar contains an entry for this variant (Variation ID: 3640778). An algorithm developed to predict the effect of missense changes on protein structure and function (PolyPhen-2) suggests that this variant is likely to be tolerated. In summary, the available evidence is currently insufficient to determine the role of this variant in disease. Therefore, it has been classified as a Variant of Uncertain Significance.